The following is an entry in ClinVar:

ClinVar aggregate classification (germline): Pathogenic (1 of 4 stars; one submission).

Conditions:
Fanconi anemia (FA). Also called: Fanconi's anemia. Identifiers: Orphanet 84, MedGen C0015625, MeSH D005199, MONDO:0019391.

Submission:

Labcorp Genetics (formerly Invitae), Labcorp
Classification: Pathogenic for Fanconi anemia. Last evaluated: 2025-06-29. Review status: criteria provided, single submitter. Criteria: Invitae Variant Classification Sherloc (09022015). Collection method: clinical testing. Allele origin: germline.
Comment: This sequence change inserts a large fragment of DNA, likely a transposable element, in exon 2 of the FANCC gene (c.25_26ins?), causing a frameshift at codon 9 (p.Ser9fs). The exact size and sequence of the insertion cannot be determined by the current assay. However, the insertion is expected to result in an absent or disrupted protein product. This variant is not present in population databases (gnomAD no frequency). This variant has not been reported in the literature in individuals affected with FANCC-related conditions. Retrotransposon insertions including LINE1 (L1), Alu, and SVA (SINE-VNTR-Alu) have been reported to be disease-causing through disruption of either a coding region or splice site (PMID: 19763152, 20307669, 22406018) and loss-of-function variants in FANCC are known to be pathogenic (PMID: 17924555). For these reasons, this variant has been classified as Pathogenic.

Literature cited by the submitters: PubMed 19763152; PubMed 20307669; PubMed 22406018; PubMed 17924555.

NM_000136.3(FANCC):c.25_26insTTTTTTTTTTTTTTTTTTTTNNNNNNNNNNCTTACCAACCTTCAACTGTTGGTCACGGGATCAAGACAAGAAACACTTCATGAATTAGGAAATTCTAAAACACTCAGTAGATCTTT (p.Ser9delinsPhePhePhePhePhePhePheXaaXaaXaaXaaTyrGlnProSerThrValGlyHisGlyIleLysThrArgAsnThrSerTer)

Gene: FANCC (FA complementation group C; minus strand). Cytogenetic location: 9q22.32.
Variant type: Insertion.
Coding change: c.25_26insTTTTTTTTTTTTTTTTTTTTNNNNNNNNNNCTTACCAACCTTCAACTGTTGGTCACGGGATCAAGACAAGAAACACTTCATGAATTAGGAAATTCTAAAACACTCAGTAGATCTTT on transcript NM_000136.3 (MANE Select); coding-DNA positions 25 to 26, TTTTTTTTTTTTTTTTTTTTNNNNNNNNNNCTTACCAACCTTCAACTGTTGGTCACGGGATCAAGACAAGAAACACTTCATGAATTAGGAAATTCTAAAACACTCAGTAGATCTTT inserted.
Protein change: p.Ser9delinsPhePhePhePhePhePhePheXaaXaaXaaXaaTyrGlnProSerThrValGlyHisGlyIleLysThrArgAsnThrSerTer.
Molecular consequence: nonsense.
Genome position: GRCh38: chr9:95,249,279-95,249,280. GRCh37 (hg19): chr9:98,011,561-98,011,562.
Other names: c.25_26insTTTTTTTTTTTTTTTTTTTTNNNNNNNNNNCTTACCAACCTTCAACTGTTGGTCACGGGATCAAGACAAGAAACACTTCATGAATTAGGAAATTCTAAAACACTCAGTAGATCTTT, p.Ser9delinsPhePhePhePhePhePhePheXaaXaaXaaXaaTyrGlnProSerThrValGlyHisGlyIleLysThrArgAsnThrSerTer (NM_001243743.2, NM_001243744.2).
Identifiers: ClinVar variation 4722310 (VCV004722310.1).